The following is an entry in ClinVar:

ClinVar aggregate classification (germline): Uncertain significance. Review status: criteria provided, multiple submitters, no conflicts (2 of 4 stars). 3 submissions from 3 submitters: Uncertain significance (3). Last evaluated 2025-10-01.

Conditions:
Frasier syndrome. Identifiers: Orphanet 347, MedGen C0950122, MeSH D052159, MONDO:0007635, OMIM 136680.
Wilms tumor 1 (WT1). Also called: Wilms tumor, somatic. Identifiers: Orphanet 654, MedGen CN033288, MONDO:0008679, OMIM 194070.
11p partial monosomy syndrome (WAGR). Also called: WAGR Spectrum Disorder; CHROMOSOME 11p13 DELETION SYNDROME; WAGR Complex; WAGR syndrome. Identifiers: Orphanet 893, MedGen C0206115, MONDO:0008681, OMIM 194072.
Drash syndrome (DDS). Also called: NEPHROPATHY, WILMS TUMOR, AND GENITAL ANOMALIES; WILMS TUMOR AND PSEUDO- OR TRUE HERMAPHRODITISM. Identifiers: Orphanet 220, MedGen C0950121, MONDO:0008682, OMIM 194080.
Inborn genetic diseases. Identifiers: MedGen C0950123, MeSH D030342.

Allele frequency attached by ClinVar (database versions not stated): TOPMed below 0.00001.

Submissions (3):

Ambry Genetics
Classification: Uncertain significance for Inborn genetic diseases. Last evaluated: 2025-10-01. Review status: criteria provided, single submitter. Criteria: Ambry Variant Classification Scheme 2023. Collection method: clinical testing. Allele origin: germline.
Comment: The p.Q366R variant (also known as c.1097A>G), located in coding exon 6 of the WT1 gene, results from an A to G substitution at nucleotide position 1097. The glutamine at codon 366 is replaced by arginine, an amino acid with highly similar properties. This amino acid position is conserved. In addition, the in silico prediction for this alteration is inconclusive. Based on the available evidence, the clinical significance of this variant remains unclear.

Baylor Genetics
Classification: Uncertain significance for Drash syndrome. Last evaluated: 2023-11-29. Review status: criteria provided, single submitter. Criteria: ACMG Guidelines, 2015. Collection method: clinical testing. Allele origin: unknown.

Labcorp Genetics (formerly Invitae), Labcorp
Classification: Uncertain significance for Wilms tumor 1; Drash syndrome; 11p partial monosomy syndrome; Frasier syndrome. Last evaluated: 2023-09-05. Review status: criteria provided, single submitter. Criteria: Invitae Variant Classification Sherloc (09022015). Collection method: clinical testing. Allele origin: germline.
Comment: In summary, the available evidence is currently insufficient to determine the role of this variant in disease. Therefore, it has been classified as a Variant of Uncertain Significance. An algorithm developed to predict the effect of missense changes on protein structure and function (PolyPhen-2) suggests that this variant is likely to be disruptive. ClinVar contains an entry for this variant (Variation ID: 1355733). This variant has not been reported in the literature in individuals affected with WT1-related conditions. This variant is not present in population databases (gnomAD no frequency). This sequence change replaces glutamine, which is neutral and polar, with arginine, which is basic and polar, at codon 366 of the WT1 protein (p.Gln366Arg).

NM_024426.6(WT1):c.1112A>G (p.Gln371Arg)

Gene: WT1 (WT1 transcription factor; minus strand). Cytogenetic location: 11p13.
Variant type: single nucleotide variant.
Coding change: c.1112A>G on transcript NM_024426.6 (MANE Select); coding-DNA position 1112, A replaced by G.
Protein change: p.Gln371Arg; replaces glutamine 371 with arginine.
Molecular consequence: missense variant. On other transcripts: 5 prime UTR variant (1), non-coding transcript variant (1).
Genome position (GRCh38, 1-based): chr11:32,399,949, T>C on the plus strand (A>G on the coding strand, the complement: WT1 is on the minus strand). VCF-style: chr11-32399949-T-C. GRCh37 (hg19) VCF-style: chr11-32421495-T-C.
Other names: c.1061A>G, p.Gln354Arg (NM_000378.6, NM_001407045.1, NM_001407048.1 and 1 more transcripts); c.461A>G, p.Gln154Arg (NM_001198551.2); c.410A>G, p.Gln137Arg (NM_001198552.2); c.-77A>G (NM_001367854.1); c.1106A>G, p.Gln369Arg (NM_001407044.1); c.1112A>G, p.Gln371Arg (NM_001407046.1, NM_024424.5); c.989A>G, p.Gln330Arg (NM_001407047.1); c.938A>G, p.Gln313Arg (NM_001407050.1); and 3 more; short protein forms Q137R, Q154R, Q354R, Q371R, Q313R, Q366R, Q117R, Q330R.
Identifiers: ClinVar variation 1355733 (VCV001355733.9), dbSNP rs1852096219, ClinGen allele CA379960225.